The following is an entry in ClinVar:

ClinVar aggregate classification (germline): Uncertain significance (1 of 4 stars; one submission).

gnomAD v4.1: 1 of 1,614,234 alleles (0.000062%); highest among the groups gnomAD compares: Non-Finnish European, 0.000085%; no homozygotes.

Submission:

CeGaT Center for Human Genetics Tuebingen
Classification: Uncertain significance. Last evaluated: 2026-09-01. Review status: criteria provided, single submitter. Criteria: CeGaT Center For Human Genetics Tuebingen Variant Classification Criteria Version 2. Collection method: clinical testing. Allele origin: germline. Affected: yes. Observed: 1 variant allele.
Comment: MYBPC1: PM2

NM_002465.4(MYBPC1):c.2074A>G (p.Met692Val)

Gene: MYBPC1 (myosin binding protein C1; plus strand). Cytogenetic location: 12q23.2.
Variant type: single nucleotide variant.
Coding change: c.2074A>G on transcript NM_002465.4 (MANE Select); coding-DNA position 2074, A replaced by G.
Protein change: p.Met692Val; replaces methionine 692 with valine.
Molecular consequence: missense variant.
Genome position (GRCh38, 1-based): chr12:101,662,399, A>G. VCF-style: chr12-101662399-A-G. GRCh37 (hg19) VCF-style: chr12-102056177-A-G.
Other names: c.1942A>G, p.Met648Val (NM_001404676.1, NM_001404678.1, NM_001254721.3); c.1864A>G, p.Met622Val (NM_001404677.1, NM_001404679.1, NM_001404681.1); c.1921A>G, p.Met641Val (NM_001404680.1, NM_001254722.3); c.2074A>G, p.Met692Val (NM_206819.4, NM_001404675.1); c.1999A>G, p.Met667Val (NM_206820.4, NM_206821.4, NM_001254718.3 and 1 more transcripts); c.1963A>G, p.Met655Val (NM_001254720.3); c.1960A>G, p.Met654Val (NM_001254723.3); short protein forms M622V, M641V, M648V, M654V, M655V, M667V, M692V.
Identifiers: ClinVar variation 5041332 (VCV005041332.1).